The following is an entry in ClinVar:

ClinVar aggregate classification (germline): Pathogenic/Likely pathogenic. Review status: criteria provided, multiple submitters, no conflicts (2 of 4 stars). 3 submissions from 3 submitters: Pathogenic (1); Likely pathogenic (2). Last evaluated 2024-03-13.

Conditions:
NBEA-related disorder. Also called: NBEA-related condition.
Neurodevelopmental disorder with or without early-onset generalized epilepsy. Identifiers: MedGen C5436914, MONDO:0030930, OMIM 619157.

Submissions (3):

Institute of Human Genetics, University of Leipzig Medical Center
Classification: Likely pathogenic for Neurodevelopmental disorder with or without early-onset generalized epilepsy. Last evaluated: 2024-03-13. Review status: criteria provided, single submitter. Criteria: ACMG Guidelines, 2015. Collection method: clinical testing. Allele origin: unknown. Inheritance: Autosomal dominant inheritance. Affected: yes.
Comment: Criteria applied: PVS1,PM2_SUP

Blueprint Genetics
Classification: Likely pathogenic for NBEA-related disorders. Last evaluated: 2020-08-27. Review status: criteria provided, single submitter. Criteria: ACMG Guidelines, 2015. Collection method: clinical testing. Allele origin: germline. Affected: yes. Observed: 1 variant allele.

Solve-RD Consortium
Classification: Pathogenic for Neurodevelopmental disorder with or without early-onset generalized epilepsy. Review status: criteria provided, single submitter. Criteria: ACMG Guidelines, 2015. Collection method: provider interpretation. Allele origin: germline. Inheritance: Autosomal dominant inheritance. Affected: yes. Study: Solve-RD DIFT-EpiCARE reanalysis.
Comment: PS4, PVS1, PM2

Variant identified during reanalysis of unsolved cases by the Solve-RD project. The Solve-RD project has received funding from the European Union’s Horizon 2020 research and innovation programme under grant agreement No 779257.

NM_001385012.1(NBEA):c.2086C>T (p.Arg696Ter)

Gene: NBEA (neurobeachin; plus strand). Cytogenetic location: 13q13.3.
Variant type: single nucleotide variant.
Coding change: c.2086C>T on transcript NM_001385012.1 (MANE Select); coding-DNA position 2086, C replaced by T.
Protein change: p.Arg696Ter; replaces arginine 696 with a stop codon.
Molecular consequence: nonsense.
Genome position (GRCh38, 1-based): chr13:35,118,231, C>T. VCF-style: chr13-35118231-C-T. GRCh37 (hg19) VCF-style: chr13-35692368-C-T.
Other names: c.2086C>T, p.Arg696Ter (NM_001379245.1, NM_015678.5); short protein forms R696*.
Identifiers: ClinVar variation 3068462 (VCV003068462.4), dbSNP rs1296627050, ClinGen allele CA387832029.